The following is an entry in ClinVar:

ClinVar aggregate classification (germline): Uncertain significance. Review status: criteria provided, multiple submitters, no conflicts (2 of 4 stars). 2 submissions from 2 submitters: Uncertain significance (2). Last evaluated 2025-11-14.

Conditions:
Multiple endocrine neoplasia, type 2 (MEN2). Identifiers: Orphanet 653, MedGen C4048306, MONDO:0019003. Disease mechanism: gain of function.
Hereditary cancer-predisposing syndrome. Also called: Tumor predisposition; Hereditary Cancer Syndrome; Hereditary neoplastic syndrome; Neoplastic Syndromes, Hereditary. Identifiers: Orphanet 140162, MedGen C0027672, MeSH D009386, MONDO:0015356.

gnomAD v4.1: 1 of 1,612,126 alleles (0.000062%); highest among the groups gnomAD compares: Non-Finnish European, 0.000085%; no homozygotes.

Submissions (2):

Ambry Genetics
Classification: Uncertain significance for Hereditary cancer-predisposing syndrome. Last evaluated: 2025-11-14. Review status: criteria provided, single submitter. Criteria: Ambry Variant Classification Scheme 2023. Collection method: clinical testing. Allele origin: germline.
Comment: The p.R820H variant (also known as c.2459G>A), located in coding exon 14 of the RET gene, results from a G to A substitution at nucleotide position 2459. The arginine at codon 820 is replaced by histidine, an amino acid with highly similar properties. This variant was reported in individual(s) with features consistent with Hirschsprung disease; in at least one individual, it was determined to be de novo (N&uacute;&ntilde;ez-Torres R et al. BMC Med Genet, 2011 Oct;12:138). This amino acid position is highly conserved in available vertebrate species. In addition, this alteration is predicted to be deleterious by in silico analysis. Based on the available evidence, the clinical significance of this variant remains unclear.

Labcorp Genetics (formerly Invitae), Labcorp
Classification: Uncertain significance for Multiple endocrine neoplasia, type 2. Last evaluated: 2024-12-30. Review status: criteria provided, single submitter. Criteria: Invitae Variant Classification Sherloc (09022015). Collection method: clinical testing. Allele origin: germline.
Comment: This sequence change replaces arginine, which is basic and polar, with histidine, which is basic and polar, at codon 820 of the RET protein (p.Arg820His). This variant is not present in population databases (gnomAD no frequency). This missense change has been observed in individual(s) with Hirschsprung disease (PMID: 21995290). An algorithm developed to predict the effect of missense changes on protein structure and function (PolyPhen-2) suggests that this variant is likely to be disruptive. In summary, the available evidence is currently insufficient to determine the role of this variant in disease. Therefore, it has been classified as a Variant of Uncertain Significance.

Literature cited by the submitters: PubMed 21995290 (cited by Ambry Genetics and Labcorp Genetics (formerly Invitae), Labcorp).

NM_020975.6(RET):c.2459G>A (p.Arg820His)

Gene: RET (ret proto-oncogene; plus strand). Cytogenetic location: 10q11.21.
Variant type: single nucleotide variant.
Coding change: c.2459G>A on transcript NM_020975.6 (MANE Select); coding-DNA position 2459, G replaced by A.
Protein change: p.Arg820His; replaces arginine 820 with histidine.
Molecular consequence: missense variant.
Genome position (GRCh38, 1-based): chr10:43,119,597, G>A. VCF-style: chr10-43119597-G-A. GRCh37 (hg19) VCF-style: chr10-43615045-G-A.
Other names: c.1697G>A, p.Arg566His (NM_001355216.2); c.2459G>A, p.Arg820His (NM_001406743.1, NM_001406744.1, NM_001406759.1 and 2 more transcripts); c.2330G>A, p.Arg777His (NM_001406761.1, NM_001406762.1, NM_001406764.1); c.2324G>A, p.Arg775His (NM_001406763.1, NM_001406765.1); c.2171G>A, p.Arg724His (NM_001406766.1, NM_001406767.1, NM_001406770.1); c.2195G>A, p.Arg732His (NM_001406768.1); c.2063G>A, p.Arg688His (NM_001406769.1, NM_001406772.1); c.2021G>A, p.Arg674His (NM_001406771.1, NM_001406773.1); and 10 more; short protein forms R385H, R481H, R645H, R688H, R775H, R820H, R478H, R724H.
Identifiers: ClinVar variation 3720928 (VCV003720928.3).
Genomic context (GRCh38, chr10:43,119,597, plus strand): 5'-TCCTCCTCATCGTGGAGTACGCCAAATACGGCTCCCTGCGGGGCTTCCTCCGCGAGAGCC[G>A]CAAAGTGGGGCCTGGCTACCTGGGCAGTGGAGGCAGCCGCAACTCCAGCTCCCTGGACCA-3'
Protein context (NP_066124.1, residues 810-830): GSLRGFLRES[Arg820His]KVGPGYLGSG